The following continues an entry in ClinVar:

NM_014625.4(NPHS2):c.413G>A (p.Arg138Gln)

Gene: NPHS2. ClinVar aggregate classification (germline): Pathogenic/Likely pathogenic. Pathogenic (21); Likely pathogenic (1).

Submissions 23 to 31 of 31:

PreventionGenetics, part of Exact Sciences
Classification: Pathogenic for NPHS2-related condition. Last evaluated: 2024-08-31. Review status: no assertion criteria provided. Collection method: clinical testing. Allele origin: germline. Not counted in ClinVar's aggregate classification.
Comment: The NPHS2 c.413G>A variant is predicted to result in the amino acid substitution p.Arg138Gln. This variant has been reported in the homozygous or compound heterozygous state in many individuals with steroid-resistant nephrotic syndrome and is the most common pathogenic variant in European individuals (commonly referred to as R138Q; Boute et al. 2000. PubMed ID: 10742096; Bouchireb et al. 2013. PubMed ID: 24227627; Malina et al. 2009. PubMed ID: 19495806; Bińczak-Kuleta et al. 2014. PubMed ID: 24856380). Functional studies indicate this variant causes aberrant accumulation in the endoplasmic reticulum instead of localization to the plasma membrane (Roselli et al. 2004. PubMed ID: 14675423). A mouse model hemizygous for this variant developed nephrotic syndrome and showed elevated mRNA expression of the mutant allele and podocin protein loss (Tabatabaeifar et al. 2017. PubMed ID: 29049388). This variant is reported in 0.11% of alleles in individuals of European (non-Finnish) descent in gnomAD. This variant is interpreted as pathogenic.

Sydney Genome Diagnostics, Children's Hospital Westmead
Classification: Pathogenic for Nephrotic syndrome. Last evaluated: 2018-03-06. Review status: no assertion criteria provided. Collection method: clinical testing. Allele origin: unknown. Affected: yes. Observed: 1 variant allele, 1 compound heterozygote. Not counted in ClinVar's aggregate classification.

Yale Center for Mendelian Genomics, Yale University
Classification: Likely pathogenic for Nephrotic syndrome. Last evaluated: 2017-11-10. Review status: no assertion criteria provided. Collection method: literature only. Allele origin: germline. Affected: yes. Observed: 2 compound heterozygotes. Study: Yale Center for Mendelian Genomics. Not counted in ClinVar's aggregate classification.

OMIM
Classification: Pathogenic for NEPHROTIC SYNDROME, TYPE 2. Last evaluated: 2002-02-15. Review status: no assertion criteria provided. Collection method: literature only. Allele origin: germline. Not counted in ClinVar's aggregate classification.

Clinical Genetics DNA and cytogenetics Diagnostics Lab, Erasmus MC, Erasmus Medical Center
Classification: Pathogenic. Review status: no assertion criteria provided. Collection method: clinical testing. Allele origin: germline. Affected: yes. Study: VKGL Data-share Consensus. Not counted in ClinVar's aggregate classification.

Genome Diagnostics Laboratory, University Medical Center Utrecht
Classification: Pathogenic. Review status: no assertion criteria provided. Collection method: clinical testing. Allele origin: germline. Affected: yes. Study: VKGL Data-share Consensus. Not counted in ClinVar's aggregate classification.

Joint Genome Diagnostic Labs from Nijmegen and Maastricht, Radboudumc and MUMC+
Classification: Likely pathogenic. Review status: no assertion criteria provided. Collection method: clinical testing. Allele origin: germline. Affected: yes. Study: VKGL Data-share Consensus. Not counted in ClinVar's aggregate classification.

NIHR Bioresource Rare Diseases, University of Cambridge
Classification: Pathogenic for Nephrotic range proteinuria. Review status: no assertion criteria provided. Collection method: research. Allele origin: unknown. Affected: yes. Observed: 1 variant allele. Not counted in ClinVar's aggregate classification.

Soonchunhyang University Bucheon Hospital, Soonchunhyang University Medical Center
Classification: Uncertain significance for Nephrotic syndrome, type 2. Last evaluated: 2016-03-18. Review status: flagged submission. Criteria: ACMG Guidelines, 2015. Collection method: reference population. Allele origin: germline. Observed: 1 variant allele. Not counted in ClinVar's aggregate classification.
ClinVar note: Reason: Outlier claim with insufficient supporting evidence

Literature cited by the submitters: PubMed 11729243 (cited by 7 submitters); PubMed 20798252 (cited by Labcorp Genetics (formerly Invitae), Labcorp and Dasa); PubMed 24856380 (cited by 3 submitters); PubMed 25852895 (cited by 3 submitters); PubMed 10742096 (cited by 9 submitters); PubMed 17371932 (cited by Labcorp Genetics (formerly Invitae), Labcorp); PubMed 12649741 (cited by 7 submitters); PubMed 14570703 (cited by 6 submitters); PubMed 14675423 (cited by 5 submitters); PubMed 29049388 (cited by 4 submitters); PubMed 35586607 (cited by Natera, Inc.); PubMed 35497790 (cited by Natera, Inc.); PubMed 31831576 (cited by Natera, Inc.); PubMed 29382718 (cited by 3 submitters); PubMed 23242530 (cited by Variantyx, Inc. and Broad Center for Mendelian Genomics, Broad Institute of MIT and Harvard); PubMed 24500309 (cited by 4 submitters); PubMed 19406966 (cited by 5 submitters); PubMed 39039281 (cited by Variantyx, Inc.); PubMed 18443213 (cited by Mayo Clinic Laboratories, Mayo Clinic and Athena Diagnostics); PubMed 24227627 (cited by Mayo Clinic Laboratories, Mayo Clinic and Illumina Laboratory Services, Illumina); PubMed 12362048 (cited by Dasa); PubMed 21151602 (cited by Dasa); PubMed 8589695 (cited by Dasa and OMIM); PubMed 24089165 (cited by 3 submitters); PubMed 21415313 (cited by Athena Diagnostics and Myriad Genetics, Inc.); PubMed 21171529 (cited by Athena Diagnostics and Myriad Genetics, Inc.); PubMed 20947785 (cited by Athena Diagnostics); PubMed 29982877 (cited by Athena Diagnostics); PubMed 32129207 (cited by Athena Diagnostics); PubMed 17942957 (cited by Athena Diagnostics); PubMed 28780565 (cited by Athena Diagnostics); PubMed 15253708 (cited by Athena Diagnostics and Women's Health and Genetics/Laboratory Corporation of America, LabCorp); PubMed 18216321 (cited by Athena Diagnostics); PubMed 19371226 (cited by Athena Diagnostics); PubMed 11805166 (cited by Myriad Genetics, Inc.); PubMed 11854170 (cited by Illumina Laboratory Services, Illumina and OMIM); PubMed 25349199 (cited by Illumina Laboratory Services, Illumina); PubMed 14978175 (cited by Women's Health and Genetics/Laboratory Corporation of America, LabCorp); PubMed 29127259 (cited by Yale Center for Mendelian Genomics, Yale University); PubMed 32581362 (cited by NIHR Bioresource Rare Diseases, University of Cambridge).